The following is an entry in ClinVar:

NM_004415.4(DSP):c.3388G>A (p.Asp1130Asn)

Gene: DSP (desmoplakin; plus strand). Cytogenetic location: 6p24.3.
Variant type: single nucleotide variant.
Coding change: c.3388G>A on transcript NM_004415.4 (MANE Select); coding-DNA position 3388, G replaced by A.
Protein change: p.Asp1130Asn; replaces aspartic acid 1130 with asparagine.
Molecular consequence: missense variant.
Genome position (GRCh38, 1-based): chr6:7,579,578, G>A. VCF-style: chr6-7579578-G-A. GRCh37 (hg19) VCF-style: chr6-7579811-G-A.
Other names: c.3388G>A, p.Asp1130Asn (NM_001008844.3, NM_001319034.2); c.3388G>A (NM_004415.3); short protein forms D1130N.
Identifiers: ClinVar variation 920831 (VCV000920831.15), dbSNP rs765769174, ClinGen allele CA037954.

ClinVar aggregate classification (germline): Conflicting classifications of pathogenicity. Review status: criteria provided, conflicting classifications (1 of 4 stars). 5 submissions from 5 submitters: Uncertain significance (3); Likely benign (1). 1 of the submissions does not count toward it. Last evaluated 2025-07-21.

Conditions:
Cardiomyopathy (CMYO). Also called: Cardiomyopathies. Identifiers: Orphanet 167848, MedGen C0878544, MONDO:0004994, HP:0001638. Inheritance: Various modes of inheritance.
Arrhythmogenic cardiomyopathy with wooly hair and keratoderma. Also called: Carvajal syndrome; PALMOPLANTAR KERATODERMA WITH LEFT VENTRICULAR CARDIOMYOPATHY AND WOOLLY HAIR; Dilated cardiomyopathy with woolly hair and keratoderma; Arrhythmogenic cardiomyopathy with woolly hair and keratoderma. Identifiers: Orphanet 65282, MedGen C1854063, MONDO:0011581, OMIM 605676.
Arrhythmogenic right ventricular dysplasia 8 (ARVD8). Also called: Arrhythmogenic Right Ventricular Dysplasia/Cardiomyopathy 8; ARRHYTHMOGENIC RIGHT VENTRICULAR DYSPLASIA, FAMILIAL, 8; ARRHYTHMOGENIC RIGHT VENTRICULAR CARDIOMYOPATHY 8. Identifiers: MedGen C1843896, MONDO:0011831, OMIM 607450.
DSP-related disorder. Also called: DSP-related condition; DSP-related disorders.
Cardiovascular phenotype. Identifiers: MedGen CN230736.

Allele frequency attached by ClinVar (database versions not stated): TOPMed below 0.00001; gnomAD exomes 0.00001 and 0.00002; ExAC 0.00002.

Submissions (5):

Labcorp Genetics (formerly Invitae), Labcorp
Classification: Likely benign for Arrhythmogenic cardiomyopathy with wooly hair and keratoderma; Arrhythmogenic right ventricular dysplasia 8. Last evaluated: 2025-07-21. Review status: criteria provided, single submitter. Criteria: Invitae Variant Classification Sherloc (09022015). Collection method: clinical testing. Allele origin: germline.

Ambry Genetics
Classification: Uncertain significance for Cardiovascular phenotype. Last evaluated: 2024-11-06. Review status: criteria provided, single submitter. Criteria: Ambry Variant Classification Scheme 2023. Collection method: clinical testing. Allele origin: germline.
Comment: The p.D1130N variant (also known as c.3388G>A), located in coding exon 23 of the DSP gene, results from a G to A substitution at nucleotide position 3388. The aspartic acid at codon 1130 is replaced by asparagine, an amino acid with highly similar properties. This amino acid position is well conserved in available vertebrate species. In addition, this alteration is predicted to be tolerated by in silico analysis. Based on the available evidence, the clinical significance of this variant remains unclear.

Color Diagnostics, LLC DBA Color Health
Classification: Uncertain significance for Cardiomyopathy. Last evaluated: 2024-03-06. Review status: criteria provided, single submitter. Criteria: ACMG Guidelines, 2015. Collection method: clinical testing. Allele origin: germline.
Comment: This missense variant replaces aspartic acid with asparagine at codon 1130 of the DSP protein. Computational prediction suggests that this variant may not impact protein structure and function (internally defined REVEL score threshold <= 0.5, PMID: 27666373). To our knowledge, functional studies have not been reported for this variant. This variant has not been reported in individuals affected with cardiovascular disorders in the literature. This variant has been identified in 4/249846 chromosomes in the general population by the Genome Aggregation Database (gnomAD). The available evidence is insufficient to determine the role of this variant in disease conclusively. Therefore, this variant is classified as a Variant of Uncertain Significance.

Blueprint Genetics
Classification: Uncertain significance. Last evaluated: 2023-12-19. Review status: criteria provided, single submitter. Criteria: ACMG Guidelines, 2015. Collection method: clinical testing. Allele origin: germline.

PreventionGenetics, part of Exact Sciences
Classification: Uncertain significance for DSP-related condition. Last evaluated: 2024-07-22. Review status: no assertion criteria provided. Collection method: clinical testing. Allele origin: germline. Not counted in ClinVar's aggregate classification.
Comment: The DSP c.3388G>A variant is predicted to result in the amino acid substitution p.Asp1130Asn. To our knowledge, this variant has not been reported in the literature. This variant is reported in 0.0036% of alleles in individuals of European (Non-Finnish) descent in gnomAD. At this time, the clinical significance of this variant is uncertain due to the absence of conclusive functional and genetic evidence.